The following is an entry in ClinVar:

ClinVar aggregate classification (germline): Uncertain significance (1 of 4 stars; one submission).

Conditions:
Neuropathy, hereditary motor and sensory, type 6B (HMSN6B). Also called: NEUROPATHY, HEREDITARY MOTOR AND SENSORY, TYPE VIB, WITH OPTIC ATROPHY; Neuropathy, hereditary motor and sensory, type VIB; HMSN VIB; CHARCOT-MARIE-TOOTH DISEASE, TYPE 6B. Identifiers: MedGen C4225302, MONDO:0014671, OMIM 616505.

Submission:

Labcorp Genetics (formerly Invitae), Labcorp
Classification: Uncertain significance for Neuropathy, hereditary motor and sensory, type 6B. Last evaluated: 2022-08-16. Review status: criteria provided, single submitter. Criteria: Invitae Variant Classification Sherloc (09022015). Collection method: clinical testing. Allele origin: germline.
Comment: In summary, the available evidence is currently insufficient to determine the role of this variant in disease. Therefore, it has been classified as a Variant of Uncertain Significance. This variant disrupts the p.Arg340 amino acid residue in SLC25A46. Other variant(s) that disrupt this residue have been determined to be pathogenic (PMID: 26168012, 28558379). This suggests that this residue is clinically significant, and that variants that disrupt this residue are likely to be disease-causing. Algorithms developed to predict the effect of missense changes on protein structure and function (SIFT, PolyPhen-2, Align-GVGD) all suggest that this variant is likely to be disruptive. ClinVar contains an entry for this variant (Variation ID: 934982). This variant has not been reported in the literature in individuals affected with SLC25A46-related conditions. This variant is not present in population databases (gnomAD no frequency). This sequence change replaces arginine, which is basic and polar, with proline, which is neutral and non-polar, at codon 340 of the SLC25A46 protein (p.Arg340Pro).

Literature cited by the submitters: PubMed 26168012; PubMed 28558379.

NM_138773.4(SLC25A46):c.1019G>C (p.Arg340Pro)

Gene: SLC25A46 (solute carrier family 25 member 46; plus strand). Cytogenetic location: 5q22.1.
Variant type: single nucleotide variant.
Coding change: c.1019G>C on transcript NM_138773.4 (MANE Select); coding-DNA position 1019, G replaced by C.
Protein change: p.Arg340Pro; replaces arginine 340 with proline.
Molecular consequence: missense variant. On other transcripts: non-coding transcript variant (1).
Genome position (GRCh38, 1-based): chr5:110,761,544, G>C. VCF-style: chr5-110761544-G-C. GRCh37 (hg19) VCF-style: chr5-110097244-G-C.
Other names: c.776G>C, p.Arg259Pro (NM_001303249.3); c.746G>C, p.Arg249Pro (NM_001303250.3); short protein forms R249P, R340P, R259P.
Identifiers: ClinVar variation 934982 (VCV000934982.10), dbSNP rs1406148342, ClinGen allele CA360696794.